The following is an entry in ClinVar:

NM_001197104.2(KMT2A):c.1519C>T (p.Pro507Ser)

Gene: KMT2A (lysine methyltransferase 2A; plus strand). Cytogenetic location: 11q23.3.
Variant type: single nucleotide variant.
Coding change: c.1519C>T on transcript NM_001197104.2 (MANE Select); coding-DNA position 1519, C replaced by T.
Protein change: p.Pro507Ser; replaces proline 507 with serine.
Molecular consequence: missense variant.
Genome position (GRCh38, 1-based): chr11:118,472,678, C>T. VCF-style: chr11-118472678-C-T. GRCh37 (hg19) VCF-style: chr11-118343393-C-T.
Other names: c.1519C>T, p.Pro507Ser (NM_005933.4); c.1519C>T (NM_001197104.1); short protein forms P507S.
Identifiers: ClinVar variation 1562176 (VCV001562176.9), dbSNP rs191014566, ClinGen allele CA6303412.

ClinVar aggregate classification (germline): Likely benign. Review status: criteria provided, multiple submitters, no conflicts (2 of 4 stars). 2 submissions from 2 submitters: Likely benign (2). Last evaluated 2025-12-27.

Conditions:
KMT2A-related disorder. Also called: KMT2A-related condition.

Allele frequency attached by ClinVar (database versions not stated): gnomAD exomes 0.00014; ExAC 0.00017; 1000 Genomes Project 0.00040; 1000 Genomes Project 30x 0.00047.
gnomAD v4.1: 124 of 1,613,088 alleles (0.0077%); highest among the groups gnomAD compares: African/African-American, 0.072%; 1 homozygote.

Submissions (2):

Labcorp Genetics (formerly Invitae), Labcorp
Classification: Likely benign. Last evaluated: 2025-12-27. Review status: criteria provided, single submitter. Criteria: Invitae Variant Classification Sherloc (09022015). Collection method: clinical testing. Allele origin: germline.

PreventionGenetics, part of Exact Sciences
Classification: Likely benign for KMT2A-related condition. Last evaluated: 2025-03-18. Review status: criteria provided, single submitter. Criteria: ACMG Guidelines, 2015. Collection method: clinical testing. Allele origin: germline.
Comment: This variant is classified as likely benign based on ACMG/AMP sequence variant interpretation guidelines (Richards et al. 2015 PMID: 25741868, with internal and published modifications).